The following is an entry in ClinVar:

ClinVar aggregate classification (germline): Uncertain significance. Review status: criteria provided, multiple submitters, no conflicts (2 of 4 stars). 2 submissions from 2 submitters: Uncertain significance (2). Last evaluated 2026-06-09.

Conditions:
Cardiovascular phenotype. Identifiers: MedGen CN230736.

Allele frequency attached by ClinVar (database versions not stated): gnomAD exomes 0.00001 and 0.00002; gnomAD 0.00002; TOPMed 0.00003.
gnomAD v4.1: 22 of 1,584,914 alleles (0.0014%); highest among the groups gnomAD compares: Non-Finnish European, 0.0019%; no homozygotes.

Submissions (2):

Ambry Genetics
Classification: Uncertain significance for Cardiovascular phenotype. Last evaluated: 2026-06-09. Review status: criteria provided, single submitter. Criteria: Ambry Variant Classification Scheme 2023. Collection method: clinical testing. Allele origin: germline.
Comment: The p.A1139V variant (also known as c.3416C>T), located in coding exon 6 of the ALPK3 gene, results from a C to T substitution at nucleotide position 3416. The alanine at codon 1139 is replaced by valine, an amino acid with similar properties. This amino acid position is conserved. In addition, this alteration is predicted to be tolerated by in silico analysis. Based on the available evidence, the clinical significance of this variant remains unclear.

Labcorp Genetics (formerly Invitae), Labcorp
Classification: Uncertain significance. Last evaluated: 2025-07-09. Review status: criteria provided, single submitter. Criteria: Invitae Variant Classification Sherloc (09022015). Collection method: clinical testing. Allele origin: germline.
Comment: This sequence change replaces alanine, which is neutral and non-polar, with valine, which is neutral and non-polar, at codon 1139 of the ALPK3 protein (p.Ala1139Val). This variant is present in population databases (no rsID available, gnomAD 0.003%). This variant has not been reported in the literature in individuals affected with ALPK3-related conditions. ClinVar contains an entry for this variant (Variation ID: 1443497). Invitae Evidence Modeling of protein sequence and biophysical properties (such as structural, functional, and spatial information, amino acid conservation, physicochemical variation, residue mobility, and thermodynamic stability) indicates that this missense variant is expected to disrupt ALPK3 protein function with a positive predictive value of 80%. In summary, the available evidence is currently insufficient to determine the role of this variant in disease. Therefore, it has been classified as a Variant of Uncertain Significance.

NM_020778.5(ALPK3):c.2810C>T (p.Ala937Val)

Gene: ALPK3 (alpha kinase 3; plus strand). Cytogenetic location: 15q25.3.
Variant type: single nucleotide variant.
Coding change: c.2810C>T on transcript NM_020778.5 (MANE Select); coding-DNA position 2810, C replaced by T.
Protein change: p.Ala937Val; replaces alanine 937 with valine.
Molecular consequence: missense variant.
Genome position (GRCh38, 1-based): chr15:84,857,548, C>T. VCF-style: chr15-84857548-C-T. GRCh37 (hg19) VCF-style: chr15-85400779-C-T.
Other names: c.3416C>T (NM_020778.4); short protein forms A937V.
Identifiers: ClinVar variation 1443497 (VCV001443497.7), dbSNP rs1021527527, ClinGen allele CA273624793.